The following is an entry in ClinVar:

NM_000497.4(CYP11B1):c.427C>T (p.Arg143Trp)

Genes: CYP11B1 (cytochrome P450 family 11 subfamily B member 1; minus strand), LOC106799833 (CYP11B1 recombination region; plus strand). Cytogenetic location: 8q24.3.
Variant type: single nucleotide variant.
Coding change: c.427C>T on transcript NM_000497.4 (MANE Select); coding-DNA position 427, C replaced by T.
Protein change: p.Arg143Trp; replaces arginine 143 with tryptophan.
Molecular consequence: missense variant.
Genome position (GRCh38, 1-based): chr8:142,877,191, G>A on the plus strand (C>T on the coding strand, the complement: CYP11B1 is on the minus strand). VCF-style: chr8-142877191-G-A. GRCh37 (hg19) VCF-style: chr8-143958607-G-A.
Other names: c.427C>T, p.Arg143Trp (NM_001026213.1); short protein forms R143W.
Identifiers: ClinVar variation 56831 (VCV000056831.16), dbSNP rs140336749, ClinGen allele CA344777.

ClinVar aggregate classification (germline): Pathogenic/Likely pathogenic. Review status: criteria provided, multiple submitters, no conflicts (2 of 4 stars). 8 submissions from 8 submitters: Pathogenic (5); Likely pathogenic (1). 2 of the submissions do not count toward it. Last evaluated 2026-01-28.

Conditions:
Deficiency of steroid 11-beta-monooxygenase (CYP11B1). Also called: ADRENAL HYPERPLASIA, CONGENITAL, DUE TO STEROID 11-BETA-HYDROXYLASE DEFICIENCY; P450C11B1 DEFICIENCY; ADRENAL HYPERPLASIA IV; 11-BETA-HYDROXYLASE DEFICIENCY; STEROID 11-BETA-HYDROXYLASE DEFICIENCY; Congenital adrenal hyperplasia due to 11-beta-hydroxylase deficiency. Identifiers: Orphanet 90795, MedGen C0268292, MONDO:0008729, OMIM 202010. Disease mechanism: loss of function.
Glucocorticoid-remediable aldosteronism. Also called: FH I; GLUCOCORTICOID-SUPPRESSIBLE HYPERALDOSTERONISM; ACTH-DEPENDENT HYPERALDOSTERONISM SYNDROME; Hyperaldosteronism, familial, type I; ALDOSTERONISM, SENSITIVE TO DEXAMETHASONE. Identifiers: Orphanet 403, MedGen C3838731, MONDO:0007080, OMIM 103900.
Congenital adrenal hyperplasia. Identifiers: Orphanet 418, MedGen C0001627, MONDO:0018479, HP:0008258.

Allele frequency attached by ClinVar (database versions not stated): TOPMed below 0.00001; gnomAD 0.00001 and 0.00004; ESP Exome Variant Server 0.00008; 1000 Genomes Project 30x 0.00016; gnomAD exomes 0.00016; ExAC 0.00017; 1000 Genomes Project 0.00020.
gnomAD v4.1: 99 of 1,614,016 alleles (0.0061%); highest among the groups gnomAD compares: South Asian, 0.094%; no homozygotes.

Submissions (8):

Labcorp Genetics (formerly Invitae), Labcorp
Classification: Pathogenic. Last evaluated: 2026-01-28. Review status: criteria provided, single submitter. Criteria: Invitae Variant Classification Sherloc (09022015). Collection method: clinical testing. Allele origin: germline.
Comment: This sequence change replaces arginine, which is basic and polar, with tryptophan, which is neutral and slightly polar, at codon 143 of the CYP11B1 protein (p.Arg143Trp). This variant is present in population databases (rs140336749, gnomAD 0.1%). This missense change has been observed in individuals with clinical features of adrenal hyperplasia (PMID: 23940125, 24022297, 26053152). It has also been observed to segregate with disease in related individuals. ClinVar contains an entry for this variant (Variation ID: 56831). Invitae Evidence Modeling of protein sequence and biophysical properties (such as structural, functional, and spatial information, amino acid conservation, physicochemical variation, residue mobility, and thermodynamic stability) has been performed for this missense variant. However, the output from this modeling did not meet the statistical confidence thresholds required to predict the impact of this variant on CYP11B1 protein function. Experimental studies have shown that this missense change affects CYP11B1 function (PMID: 23940125). For these reasons, this variant has been classified as Pathogenic.

Women's Health and Genetics/Laboratory Corporation of America, LabCorp
Classification: Pathogenic for Congenital adrenal hyperplasia. Last evaluated: 2025-12-23. Review status: criteria provided, single submitter. Criteria: LabCorp Variant Classification Summary - May 2015. Collection method: clinical testing. Allele origin: germline.
Comment: Variant summary: CYP11B1 c.427C>T (p.Arg143Trp) results in a non-conservative amino acid change in the encoded protein sequence. Algorithms developed to predict the effect of missense changes on protein structure and function are either unavailable or do not agree on the potential impact of this missense change. The variant allele was found at a frequency of 0.00016 in 250704 control chromosomes. This frequency is not significantly higher than estimated for disease-causing variants in CYP11B1, allowing no conclusion about variant significance. c.427C>T has been observed in multiple individuals affected with Steroid-11 beta-hydroxylase deficiency (example: Reisch_2013). These data indicate that the variant is very likely to be associated with disease. At least one publication reports experimental evidence evaluating an impact on protein function. The most pronounced variant effect results in approximately 10% of normal activity (example: Reisch_2013). The following publication has been ascertained in the context of this evaluation (PMID: 23940125). ClinVar contains an entry for this variant (Variation ID: 56831). Based on the evidence outlined above, the variant was classified as pathogenic.

First Genomix Gene Laboratory, Genetic Diagnostics Department
Classification: Pathogenic for Deficiency of steroid 11-beta-monooxygenase. Last evaluated: 2025-01-10. Review status: criteria provided, single submitter. Criteria: ACMG Guidelines, 2015. Collection method: clinical testing. Allele origin: germline. Inheritance: Autosomal recessive inheritance. Affected: no. Observed: 1 variant allele.

Fulgent Genetics
Classification: Likely pathogenic for Glucocorticoid-remediable aldosteronism; Deficiency of steroid 11-beta-monooxygenase. Last evaluated: 2024-05-07. Review status: criteria provided, single submitter. Criteria: ACMG Guidelines, 2015. Collection method: clinical testing. Allele origin: germline.

Baylor Genetics
Classification: Pathogenic for Deficiency of steroid 11-beta-monooxygenase. Last evaluated: 2024-03-12. Review status: criteria provided, single submitter. Criteria: ACMG Guidelines, 2015. Collection method: clinical testing. Allele origin: unknown.

Neuberg Centre For Genomic Medicine, NCGM
Classification: Pathogenic for Deficiency of steroid 11-beta-monooxygenase. Review status: criteria provided, single submitter. Criteria: ACMG Guidelines, 2015. Collection method: clinical testing. Allele origin: germline. Affected: yes.
Comment: The missense variant p.R143W in CYP11B1 (NM_000497.4) has been previously reported in affected patients (Mooji CF et al). Functional studies show a damaging effect (Menabo S et al). The variant has been submitted to ClinVar as Likely Pathogenic.In silico tools predict a damaging effect and the residue is conserved across species. For these reasons, this variant has been classified as Pathogenic

Counsyl
Classification: Likely pathogenic for Deficiency of steroid 11-beta-monooxygenase. Last evaluated: 2017-01-26. Review status: no assertion criteria provided. Collection method: clinical testing. Allele origin: unknown. Not counted in ClinVar's aggregate classification.

Pediatric Endocrinology Laboratory; Christian Albrechts University of Kiel
No classification provided. Condition: Deficiency of steroid 11-beta-monooxygenase. Review status: no classification provided. Collection method: not provided. Allele origin: germline. Not counted in ClinVar's aggregate classification.

Literature cited by the submitters: PubMed 23940125 (cited by 3 submitters); PubMed 24022297 (cited by Labcorp Genetics (formerly Invitae), Labcorp and Counsyl); PubMed 26053152 (cited by Labcorp Genetics (formerly Invitae), Labcorp and Counsyl).